The following is an entry in ClinVar:

ClinVar aggregate classification (germline): Uncertain significance (1 of 4 stars; one submission).

Conditions:
Hereditary spastic paraplegia 11. Also called: Spastic paraplegia, mental retardation and thin corpus callosum; SPASTIC PARAPLEGIA, AUTOSOMAL RECESSIVE, COMPLICATED, WITH THIN CORPUS CALLOSUM; SPASTIC PARAPLEGIA, AUTOSOMAL RECESSIVE, WITH MENTAL IMPAIRMENT AND THIN CORPUS CALLOSUM; Spastic Paraplegia 11; Nakamura Osame syndrome; Autosomal recessive hereditary spastic paraplegia, mental impairment, and thin corpus callosum. Identifiers: Orphanet 2822, MedGen C1858479, MONDO:0011445, OMIM 604360.

gnomAD v4.1: 2 of 1,614,112 alleles (0.00012%); highest among the groups gnomAD compares: Non-Finnish European, 0.00017%; no homozygotes.

Submission:

Labcorp Genetics (formerly Invitae), Labcorp
Classification: Uncertain significance for Hereditary spastic paraplegia 11. Last evaluated: 2021-03-23. Review status: criteria provided, single submitter. Criteria: Invitae Variant Classification Sherloc (09022015). Collection method: clinical testing. Allele origin: germline.
Comment: This variant has not been reported in the literature in individuals with SPG11-related conditions. Algorithms developed to predict the effect of missense changes on protein structure and function are either unavailable or do not agree on the potential impact of this missense change (SIFT: "Deleterious"; PolyPhen-2: "Probably Damaging"; Align-GVGD: "Class C0"). In summary, the available evidence is currently insufficient to determine the role of this variant in disease. Therefore, it has been classified as a Variant of Uncertain Significance. This sequence change replaces histidine with arginine at codon 531 of the SPG11 protein (p.His531Arg). The histidine residue is moderately conserved and there is a small physicochemical difference between histidine and arginine. This variant is not present in population databases (ExAC no frequency).

NM_025137.4(SPG11):c.1592A>G (p.His531Arg)

Gene: SPG11 (SPG11 vesicle trafficking associated, spatacsin; minus strand). Cytogenetic location: 15q21.1.
Variant type: single nucleotide variant.
Coding change: c.1592A>G on transcript NM_025137.4 (MANE Select); coding-DNA position 1592, A replaced by G.
Protein change: p.His531Arg; replaces histidine 531 with arginine.
Molecular consequence: missense variant.
Genome position (GRCh38, 1-based): chr15:44,648,876, T>C on the plus strand (A>G on the coding strand, the complement: SPG11 is on the minus strand). VCF-style: chr15-44648876-T-C. GRCh37 (hg19) VCF-style: chr15-44941074-T-C.
Other names: c.1592A>G, p.His531Arg (NM_001160227.2); short protein forms H531R.
Identifiers: ClinVar variation 1518553 (VCV001518553.7), dbSNP rs757589840, ClinGen allele CA392235482.